The following is an entry in ClinVar:

ClinVar aggregate classification (germline): Conflicting classifications of pathogenicity. Review status: criteria provided, conflicting classifications (1 of 4 stars). 6 submissions from 6 submitters: Uncertain significance (5); Likely benign (1). Last evaluated 2025-12-03.

Conditions:
Cardiovascular phenotype. Identifiers: MedGen CN230736.
DSG2-related disorder. Also called: DSG2-related condition.
Arrhythmogenic right ventricular cardiomyopathy (ARVD). Also called: Cardiomyopathy, ARVC; Arrhythmogenic right ventricular dysplasia; Arrhythmogenic cardiomyopathy; Arrhythmogenic Right Ventricular Cardiomyopathy (ARVC). Identifiers: Orphanet 247, MedGen C0349788, MeSH D019571, MONDO:0016587. Disease mechanism: loss of function. Inheritance: Various modes of inheritance.
Cardiomyopathy (CMYO). Also called: Cardiomyopathies. Identifiers: Orphanet 167848, MedGen C0878544, MONDO:0004994, HP:0001638. Inheritance: Various modes of inheritance.
Arrhythmogenic right ventricular dysplasia 10. Also called: ARRHYTHMOGENIC RIGHT VENTRICULAR DYSPLASIA, FAMILIAL, 10; Arrhythmogenic right ventricular dysplasia/cardiomyopathy, type 10; Arrhythmogenic Right Ventricular Dysplasia/Cardiomyopathy10. Identifiers: MedGen C1857777, MONDO:0012434, OMIM 610193.

Allele frequency attached by ClinVar (database versions not stated): TOPMed 0.00002; 1000 Genomes Project 30x 0.00016; 1000 Genomes Project 0.00020; ExAC 0.00005.
gnomAD v4.1: 26 of 1,613,708 alleles (0.0016%); highest among the groups gnomAD compares: South Asian, 0.0055%; no homozygotes.

Submissions (6):

Labcorp Genetics (formerly Invitae), Labcorp
Classification: Uncertain significance for Arrhythmogenic right ventricular dysplasia 10. Last evaluated: 2025-12-03. Review status: criteria provided, single submitter. Criteria: Invitae Variant Classification Sherloc (09022015). Collection method: clinical testing. Allele origin: germline.
Comment: This sequence change replaces valine, which is neutral and non-polar, with isoleucine, which is neutral and non-polar, at codon 201 of the DSG2 protein (p.Val201Ile). This variant is present in population databases (rs184100321, gnomAD 0.008%). This missense change has been observed in individual(s) with clinical features of DSG2-related conditions (PMID: 35352813). ClinVar contains an entry for this variant (Variation ID: 920246). Invitae Evidence Modeling of protein sequence and biophysical properties (such as structural, functional, and spatial information, amino acid conservation, physicochemical variation, residue mobility, and thermodynamic stability) indicates that this missense variant is not expected to disrupt DSG2 protein function with a negative predictive value of 95%. In summary, the available evidence is currently insufficient to determine the role of this variant in disease. Therefore, it has been classified as a Variant of Uncertain Significance.

Color Diagnostics, LLC DBA Color Health
Classification: Likely benign for Cardiomyopathy. Last evaluated: 2025-06-30. Review status: criteria provided, single submitter. Criteria: ACMG Guidelines, 2015. Collection method: clinical testing. Allele origin: germline.

Molecular Diagnostic Laboratory for Inherited Cardiovascular Disease, Montreal Heart Institute
Classification: Uncertain significance for Cardiovascular phenotype. Last evaluated: 2025-04-09. Review status: criteria provided, single submitter. Criteria: ACMG Guidelines, 2015. Collection method: clinical testing. Allele origin: germline. Affected: yes.

GeneDx
Classification: Uncertain significance. Last evaluated: 2025-02-25. Review status: criteria provided, single submitter. Criteria: GeneDx Variant Classification Process June 2021. Collection method: clinical testing. Allele origin: germline.
Comment: In silico analysis indicates that this missense variant does not alter protein structure/function; Identified in a patient with unexplained cardiac arrest in published literature (PMID: 35352813); This variant is associated with the following publications: (PMID: 35352813)

All of Us Research Program, National Institutes of Health
Classification: Uncertain significance for Arrhythmogenic right ventricular cardiomyopathy. Last evaluated: 2024-01-11. Review status: criteria provided, single submitter. Criteria: ACMG Guidelines, 2015. Collection method: clinical testing. Allele origin: germline. Inheritance: Autosomal dominant inheritance. Observed: 5 variant alleles, 5 heterozygotes.
Comment: This missense variant replaces valine with isoleucine at codon 201 of the DSG2 protein. Computational prediction suggests that this variant may have deleterious impact on protein structure and function (internally defined REVEL score threshold >= 0.7, PMID: 27666373). To our knowledge, functional studies have not been reported for this variant. This variant has not been reported in individuals affected with cardiovascular disorders in the literature. This variant has been identified in 10/280766 chromosomes in the general population by the Genome Aggregation Database (gnomAD). The available evidence is insufficient to determine the role of this variant in disease conclusively. Therefore, this variant is classified as a Variant of Uncertain Significance.

This study involves interpretation of variants in research participants for the purpose of population health screening. Participant phenotype was not available at the time of variant classification. Additional details can be found in publication PMID: 35346344, PMCID: PMC8962531

PreventionGenetics, part of Exact Sciences
Classification: Uncertain significance for DSG2-related condition. Last evaluated: 2022-09-14. Review status: criteria provided, single submitter. Criteria: ACMG Guidelines, 2015. Collection method: clinical testing. Allele origin: germline.
Comment: The DSG2 c.601G>A variant is predicted to result in the amino acid substitution p.Val201Ile. To our knowledge, this variant has not been reported in the literature. This variant is reported in 0.0083% of alleles in individuals of African descent in gnomAD. At this time, the clinical significance of this variant is uncertain due to the absence of conclusive functional and genetic evidence.

Literature cited by the submitters: PubMed 35352813 (cited by Labcorp Genetics (formerly Invitae), Labcorp).

NM_001943.5(DSG2):c.601G>A (p.Val201Ile)

Gene: DSG2 (desmoglein 2; plus strand). Cytogenetic location: 18q12.1.
Variant type: single nucleotide variant.
Coding change: c.601G>A on transcript NM_001943.5 (MANE Select); coding-DNA position 601, G replaced by A.
Protein change: p.Val201Ile; replaces valine 201 with isoleucine.
Molecular consequence: missense variant.
Genome position (GRCh38, 1-based): chr18:31,522,160, G>A. VCF-style: chr18-31522160-G-A. GRCh37 (hg19) VCF-style: chr18-29102123-G-A.
Other names: c.601G>A (NM_001943.3); short protein forms V201I.
Identifiers: ClinVar variation 920246 (VCV000920246.14), dbSNP rs184100321, ClinGen allele CA049493.
Genomic context (GRCh38, chr18:31,522,160, plus strand): 5'-ATCAATGCAACAGATGCAGATGAGCCCAATACCCTGAATTCGAAAATTTCCTATAGAATC[G>A]TATCTCTGGAGCCTGCTTATCCTCCAGTGTTCTACCTAAATAAAGATACAGGAGAGATTT-3'
Protein context (NP_001934.2, residues 191-211): TLNSKISYRI[Val201Ile]SLEPAYPPVF